The following is an entry in ClinVar:

ClinVar aggregate classification (germline): Uncertain significance (1 of 4 stars; one submission).

Conditions:
Idiopathic generalized epilepsy. Also called: EIG; Generalised epilepsy. Identifiers: MedGen C0270850, MONDO:0005579, OMIM 600669.
Hyperaldosteronism, familial, type IV (HALD4). Also called: FH IV; ALDOSTERONISM, PRIMARY, AND HYPERTENSION. Identifiers: Orphanet 642671, MedGen C4310756, MONDO:0014875, OMIM 617027.

Allele frequency attached by ClinVar (database versions not stated): TOPMed 0.00002.
gnomAD v4.1: 5 of 1,550,182 alleles (0.00032%); highest among the groups gnomAD compares: Non-Finnish European, 0.00044%; no homozygotes.

Submission:

Labcorp Genetics (formerly Invitae), Labcorp
Classification: Uncertain significance for Idiopathic generalized epilepsy; Hyperaldosteronism, familial, type IV. Last evaluated: 2020-02-17. Review status: criteria provided, single submitter. Criteria: Invitae Variant Classification Sherloc (09022015). Collection method: clinical testing. Allele origin: germline.
Comment: This sequence change replaces cysteine with phenylalanine at codon 1976 of the CACNA1H protein (p.Cys1976Phe). The cysteine residue is weakly conserved and there is a large physicochemical difference between cysteine and phenylalanine. This variant is not present in population databases (ExAC no frequency). This variant has not been reported in the literature in individuals with CACNA1H-related conditions. Algorithms developed to predict the effect of missense changes on protein structure and function (SIFT, PolyPhen-2, Align-GVGD) all suggest that this variant is likely to be tolerated, but these predictions have not been confirmed by published functional studies and their clinical significance is uncertain. In summary, the available evidence is currently insufficient to determine the role of this variant in disease. Therefore, it has been classified as a Variant of Uncertain Significance.

NM_021098.3(CACNA1H):c.5927G>T (p.Cys1976Phe)

Gene: CACNA1H (calcium voltage-gated channel subunit alpha1 H; plus strand). Cytogenetic location: 16p13.3.
Variant type: single nucleotide variant.
Coding change: c.5927G>T on transcript NM_021098.3 (MANE Select); coding-DNA position 5927, G replaced by T.
Protein change: p.Cys1976Phe; replaces cysteine 1976 with phenylalanine.
Molecular consequence: missense variant.
Genome position (GRCh38, 1-based): chr16:1,219,009, G>T. VCF-style: chr16-1219009-G-T. GRCh37 (hg19) VCF-style: chr16-1269009-G-T.
Other names: c.5909G>T, p.Cys1970Phe (NM_001005407.2); short protein forms C1970F, C1976F.
Identifiers: ClinVar variation 1038530 (VCV001038530.8), dbSNP rs550577430, ClinGen allele CA276612962.